The following is an entry in ClinVar:

ClinVar aggregate classification (germline): Benign/Likely benign. Review status: criteria provided, multiple submitters, no conflicts (2 of 4 stars). 3 submissions from 3 submitters: Benign (1); Likely benign (2). Last evaluated 2024-11-08.

Conditions:
Renal cell carcinoma. Identifiers: Orphanet 217071, MedGen C0007134, MeSH D002292, MONDO:0005086, HP:0005584.
Hereditary cancer-predisposing syndrome. Also called: Tumor predisposition; Neoplastic Syndromes, Hereditary; Hereditary Cancer Syndrome; Hereditary neoplastic syndrome. Identifiers: Orphanet 140162, MedGen C0027672, MeSH D009386, MONDO:0015356.
Papillary renal cell carcinoma type 1 (RCCP1). Also called: Renal adenocarcinoma; Renal cell carcinoma 1; Renal cell carcinoma, somatic; RENAL CELL CARCINOMA, PAPILLARY, 1, SOMATIC. Identifiers: Orphanet 47044, MedGen C1336839, OMIM 605074, HP:0011797.

Allele frequency attached by ClinVar (database versions not stated): gnomAD exomes below 0.00001; TOPMed below 0.00001; ExAC 0.00001.

Submissions (3):

Myriad Genetics, Inc.
Classification: Benign for Papillary renal cell carcinoma type 1. Last evaluated: 2024-11-08. Review status: criteria provided, single submitter. Criteria: Myriad Autosomal Dominant, Autosomal Recessive and X-Linked Classification Criteria (2023). Collection method: clinical testing. Allele origin: unknown.
Comment: This variant is considered benign. This variant is a silent/synonymous amino acid change and it is not expected to impact splicing.

Ambry Genetics
Classification: Likely benign for Hereditary cancer-predisposing syndrome. Last evaluated: 2023-02-03. Review status: criteria provided, single submitter. Criteria: Ambry Variant Classification Scheme 2023. Collection method: clinical testing. Allele origin: germline.

Labcorp Genetics (formerly Invitae), Labcorp
Classification: Likely benign for Renal cell carcinoma. Last evaluated: 2022-09-01. Review status: criteria provided, single submitter. Criteria: Invitae Variant Classification Sherloc (09022015). Collection method: clinical testing. Allele origin: germline.

NM_000245.4(MET):c.2061T>C (p.Ser687=)

Gene: MET (MET proto-oncogene, receptor tyrosine kinase; plus strand). Cytogenetic location: 7q31.2.
Variant type: single nucleotide variant.
Coding change: c.2061T>C on transcript NM_000245.4 (MANE Select); coding-DNA position 2061, T replaced by C.
Protein change: p.Ser687=; no amino-acid change (serine 687 retained).
Molecular consequence: synonymous variant.
Genome position (GRCh38, 1-based): chr7:116,757,733, T>C. VCF-style: chr7-116757733-T-C. GRCh37 (hg19) VCF-style: chr7-116397787-T-C.
Other names: c.2061T>C (NM_001127500.1); c.2061T>C, p.Ser687= (NM_001127500.3, NM_001324401.3); c.771T>C, p.Ser257= (NM_001324402.2).
Identifiers: ClinVar variation 1580902 (VCV001580902.11), dbSNP rs776651937, ClinGen allele CA4448367.